The following is an entry in ClinVar:

NC_000006.11:g.(?_129419305)_(129514008_?)del

Gene: LAMA2 (laminin subunit alpha 2; plus strand). Cytogenetic location: 6q22.33.
Variant type: Deletion.
Identifiers: ClinVar variation 2423062 (VCV002423062.5).

ClinVar aggregate classification (germline): Pathogenic (1 of 4 stars; one submission).

Conditions:
LAMA2-related muscular dystrophy (LAMA2-RD). Also called: Laminin alpha 2-related dystrophy. Identifiers: MedGen C5679788, MONDO:0100228.

Submission:

Labcorp Genetics (formerly Invitae), Labcorp
Classification: Pathogenic for LAMA2-related muscular dystrophy. Last evaluated: 2022-02-27. Review status: criteria provided, single submitter. Criteria: Invitae Variant Classification Sherloc (09022015). Collection method: clinical testing. Allele origin: germline.
Comment: For these reasons, this variant has been classified as Pathogenic. This variant disrupts a region of the LAMA2 protein in which other variant(s) (p.Cys527Tyr) have been determined to be pathogenic (PMID: 12552556, 23326386; Invitae). This suggests that this is a clinically significant region of the protein, and that variants that disrupt it are likely to be disease-causing. This variant has not been reported in the literature in individuals affected with LAMA2-related conditions. This variant is a gross deletion of the genomic region encompassing exon(s) 4-12 of the LAMA2 gene. This variant would be expected to be in-frame, preserving the integrity of the reading frame.

Literature cited by the submitters: PubMed 12552556; PubMed 23326386.